The following is an entry in ClinVar:

NM_001267550.2(TTN):c.23998del (p.Ala8000fs)

Gene: TTN (titin; minus strand). Cytogenetic location: 2q31.2.
Variant type: Deletion.
Coding change: c.23998del on transcript NM_001267550.2 (MANE Select); coding-DNA position 23998, one base deleted (G; older notation c.23998delG).
Protein change: p.Ala8000fs; shifts the reading frame from alanine 8000.
Molecular consequence: frameshift variant. On other transcripts: intron variant (3).
Genome position (GRCh38, 1-based): chr2:178,719,392, C deleted on the plus strand (G on the coding strand, the reverse complement: TTN is on the minus strand); the first of 5 consecutive C bases (chr2:178,719,392-178,719,396); deleting any one gives the same sequence. VCF-style (leftmost placement, unchanged base first): chr2-178719391-GC-G. GRCh37 (hg19) VCF-style: chr2-179584118-GC-G.
Other names: c.23047del, p.Ala7683fs (NM_001256850.1); c.20266del, p.Ala6756fs (NM_133378.4); c.13282+18690del (NM_003319.4); c.13858+18690del (NM_133437.4); c.13657+18690del (NM_133432.3); short protein forms A6756fs, A7683fs, A8000fs.
Identifiers: ClinVar variation 1055332 (VCV001055332.9), dbSNP rs2154300048, ClinGen allele CA913203445.

ClinVar aggregate classification (germline): Likely pathogenic (1 of 4 stars; one submission).

Conditions:
Dilated cardiomyopathy 1G (CMD1G). Identifiers: Orphanet 154, MedGen C1858763, MONDO:0011400, OMIM 604145.
Autosomal recessive limb-girdle muscular dystrophy type 2J (LGMDR10). Also called: Limb-girdle muscular dystrophy, type 2J; MUSCULAR DYSTROPHY, LIMB-GIRDLE, AUTOSOMAL RECESSIVE 10. Identifiers: Orphanet 140922, MedGen C1837342, MONDO:0012127, OMIM 608807.

Submission:

Labcorp Genetics (formerly Invitae), Labcorp
Classification: Likely pathogenic for Dilated cardiomyopathy 1G; Autosomal recessive limb-girdle muscular dystrophy type 2J. Last evaluated: 2025-07-21. Review status: criteria provided, single submitter. Criteria: Invitae Variant Classification Sherloc (09022015). Collection method: clinical testing. Allele origin: germline.
Comment: This sequence change creates a premature translational stop signal (p.Ala8000Profs*43) in the TTN gene. While this is not anticipated to result in nonsense mediated decay, it is expected to create a truncated TTN protein. This variant is not present in population databases (gnomAD no frequency). This variant has not been reported in the literature in individuals affected with TTN-related conditions. ClinVar contains an entry for this variant (Variation ID: 1055332). This variant is located in the I band of TTN (PMID: 25589632). Truncating variants in this region have been reported in individuals affected with autosomal recessive centronuclear myopathy (PMID: 23975875, internal data). Truncating variants in this region have also been identified in individuals affected with autosomal dominant dilated cardiomyopathy and/or cardio-related conditions (PMID: 27869827, 32964742, internal data). In summary, the currently available evidence indicates that the variant is pathogenic, but additional data are needed to prove that conclusively. Therefore, this variant has been classified as Likely Pathogenic.

Literature cited by the submitters: PubMed 25589632; PubMed 23975875; PubMed 27869827; PubMed 32964742.